The following is an entry in ClinVar:

NM_000321.3(RB1):c.576A>T (p.Lys192Asn)

Gene: RB1 (RB transcriptional corepressor 1; plus strand). Cytogenetic location: 13q14.2.
Variant type: single nucleotide variant.
Coding change: c.576A>T on transcript NM_000321.3 (MANE Select); coding-DNA position 576, A replaced by T.
Protein change: p.Lys192Asn; replaces lysine 192 with asparagine.
Molecular consequence: missense variant.
Genome position (GRCh38, 1-based): chr13:48,348,992, A>T. VCF-style: chr13-48348992-A-T. GRCh37 (hg19) VCF-style: chr13-48923128-A-T.
Other names: c.576A>T, p.Lys192Asn (NM_001407165.1, NM_001407166.1); short protein forms K192N.
Identifiers: ClinVar variation 3642691 (VCV003642691.2).
Genomic context (GRCh38, chr13:48,348,992, plus strand): 5'-TTCTGCTTTCTATTTGTTTAATAGGATATCTACTGAAATAAATTCTGCATTGGTGCTAAA[A>T]GTTTCTTGGATCACATTTTTATTAGCTAAAGGTAAGTTCATTATATTTATTAAATGCTAA-3'
Protein context (NP_000312.2, residues 182-202): STEINSALVL[Lys192Asn]VSWITFLLAK

ClinVar aggregate classification (germline): Uncertain significance (1 of 4 stars; one submission).

Conditions:
Retinoblastoma (RB1). Also called: RETINOBLASTOMA, SOMATIC. Identifiers: Orphanet 790, MedGen C0035335, MeSH D012175, MONDO:0008380, OMIM 180200, HP:0009919. Disease mechanism: loss of function. Inheritance: Both sporadic and heritable forms are tested..

Submission:

Labcorp Genetics (formerly Invitae), Labcorp
Classification: Uncertain significance for Retinoblastoma. Last evaluated: 2024-02-22. Review status: criteria provided, single submitter. Criteria: Invitae Variant Classification Sherloc (09022015). Collection method: clinical testing. Allele origin: germline.
Comment: This sequence change replaces lysine, which is basic and polar, with asparagine, which is neutral and polar, at codon 192 of the RB1 protein (p.Lys192Asn). This variant is not present in population databases (gnomAD no frequency). This variant has not been reported in the literature in individuals affected with RB1-related conditions. Advanced modeling of protein sequence and biophysical properties (such as structural, functional, and spatial information, amino acid conservation, physicochemical variation, residue mobility, and thermodynamic stability) performed at Invitae indicates that this missense variant is not expected to disrupt RB1 protein function with a negative predictive value of 80%. In summary, the available evidence is currently insufficient to determine the role of this variant in disease. Therefore, it has been classified as a Variant of Uncertain Significance.